The following is an entry in ClinVar:

NM_000368.5(TSC1):c.3046G>A (p.Gly1016Ser)

Gene: TSC1 (TSC complex subunit 1; minus strand). Cytogenetic location: 9q34.13.
Variant type: single nucleotide variant.
Coding change: c.3046G>A on transcript NM_000368.5 (MANE Select); coding-DNA position 3046, G replaced by A.
Protein change: p.Gly1016Ser; replaces glycine 1016 with serine.
Molecular consequence: missense variant.
Genome position (GRCh38, 1-based): chr9:132,896,684, C>T on the plus strand (G>A on the coding strand, the complement: TSC1 is on the minus strand). VCF-style: chr9-132896684-C-T. GRCh37 (hg19) VCF-style: chr9-135772071-C-T.
Other names: c.3043G>A, p.Gly1015Ser (NM_001162426.2); c.2893G>A, p.Gly965Ser (NM_001162427.2); c.2683G>A, p.Gly895Ser (NM_001362177.2); short protein forms G1015S, G895S, G1016S, G965S.
Identifiers: ClinVar variation 1473428 (VCV001473428.12), dbSNP rs1020905743, ClinGen allele CA200925748.

ClinVar aggregate classification (germline): Uncertain significance. Review status: criteria provided, multiple submitters, no conflicts (2 of 4 stars). 4 submissions from 4 submitters: Uncertain significance (4). Last evaluated 2025-11-24.

Conditions:
Hereditary cancer-predisposing syndrome. Also called: Tumor predisposition; Hereditary neoplastic syndrome; Neoplastic Syndromes, Hereditary; Hereditary Cancer Syndrome. Identifiers: Orphanet 140162, MedGen C0027672, MeSH D009386, MONDO:0015356.
Tuberous sclerosis 1 (TSC1). Identifiers: Orphanet 805, MedGen C1854465, MONDO:0008612, OMIM 191100.
Tuberous sclerosis syndrome (TSC). Also called: Tuberous Sclerosis Complex; Tuberous sclerosis. Identifiers: Orphanet 805, MedGen C0041341, MONDO:0001734.

Allele frequency attached by ClinVar (database versions not stated): gnomAD 0.00001; gnomAD exomes 0.00001; TOPMed 0.00001.
gnomAD v4.1: 16 of 1,613,878 alleles (0.00099%); highest among the groups gnomAD compares: South Asian, 0.012%; no homozygotes.

Submissions (4):

Labcorp Genetics (formerly Invitae), Labcorp
Classification: Uncertain significance for Tuberous sclerosis 1. Last evaluated: 2025-11-24. Review status: criteria provided, single submitter. Criteria: Invitae Variant Classification Sherloc (09022015). Collection method: clinical testing. Allele origin: germline.
Comment: This sequence change replaces glycine, which is neutral and non-polar, with serine, which is neutral and polar, at codon 1016 of the TSC1 protein (p.Gly1016Ser). This variant is not present in population databases (gnomAD no frequency). This variant has not been reported in the literature in individuals affected with TSC1-related conditions. ClinVar contains an entry for this variant (Variation ID: 1473428). Invitae Evidence Modeling of protein sequence and biophysical properties (such as structural, functional, and spatial information, amino acid conservation, physicochemical variation, residue mobility, and thermodynamic stability) indicates that this missense variant is not expected to disrupt TSC1 protein function with a negative predictive value of 95%. In summary, the available evidence is currently insufficient to determine the role of this variant in disease. Therefore, it has been classified as a Variant of Uncertain Significance.

Blueprint Genetics
Classification: Uncertain significance. Last evaluated: 2024-10-03. Review status: criteria provided, single submitter. Criteria: ACMG Guidelines, 2015. Collection method: clinical testing. Allele origin: germline.

Ambry Genetics
Classification: Uncertain significance for Hereditary cancer-predisposing syndrome. Last evaluated: 2024-03-19. Review status: criteria provided, single submitter. Criteria: Ambry Variant Classification Scheme 2023. Collection method: clinical testing. Allele origin: germline.
Comment: The p.G1016S variant (also known as c.3046G>A), located in coding exon 21 of the TSC1 gene, results from a G to A substitution at nucleotide position 3046. The glycine at codon 1016 is replaced by serine, an amino acid with similar properties. This amino acid position is highly conserved in available vertebrate species. In addition, the in silico prediction for this alteration is inconclusive. Since supporting evidence is limited at this time, the clinical significance of this alteration remains unclear.

All of Us Research Program, National Institutes of Health
Classification: Uncertain significance for Tuberous sclerosis syndrome. Last evaluated: 2023-10-23. Review status: criteria provided, single submitter. Criteria: ACMG Guidelines, 2015. Collection method: clinical testing. Allele origin: germline. Inheritance: Autosomal dominant inheritance. Observed: 1 variant allele, 1 heterozygote.
Comment: This missense variant replaces glycine with serine at codon 1016 of the TSC1 protein. Computational prediction suggests that this variant may not impact protein structure and function (internally defined REVEL score threshold <= 0.5, PMID: 27666373). To our knowledge, functional studies have not been reported for this variant. This variant has not been reported in individuals affected with TSC1-related disorders in the literature. This variant has not been identified in the general population by the Genome Aggregation Database (gnomAD). The available evidence is insufficient to determine the role of this variant in disease conclusively. Therefore, this variant is classified as a Variant of Uncertain Significance.

This study involves interpretation of variants in research participants for the purpose of population health screening. Participant phenotype was not available at the time of variant classification. Additional details can be found in publication PMID: 35346344, PMCID: PMC8962531